The following is an entry in ClinVar:

ClinVar aggregate classification (germline): Uncertain significance (1 of 4 stars; one submission).

Conditions:
Combined immunodeficiency due to DOCK8 deficiency (HIES2). Also called: HIES autosomal recessive; HYPER-IgE RECURRENT INFECTION SYNDROME 2, AUTOSOMAL RECESSIVE; HYPER-IgE SYNDROME 2, AUTOSOMAL RECESSIVE, WITH RECURRENT INFECTIONS; Hyper-IgE recurrent infection syndrome, autosomal recessive; DOCK8 Deficiency. Identifiers: Orphanet 217390, MedGen C4722305, MONDO:0009478, OMIM 243700.

Submission:

Labcorp Genetics (formerly Invitae), Labcorp
Classification: Uncertain significance for Combined immunodeficiency due to DOCK8 deficiency. Last evaluated: 2022-03-03. Review status: criteria provided, single submitter. Criteria: Invitae Variant Classification Sherloc (09022015). Collection method: clinical testing. Allele origin: germline.
Comment: This sequence change falls in intron 18 of the DOCK8 gene. It does not directly change the encoded amino acid sequence of the DOCK8 protein. It affects a nucleotide within the consensus splice site. This variant is not present in population databases (gnomAD no frequency). In summary, the available evidence is currently insufficient to determine the role of this variant in disease. Therefore, it has been classified as a Variant of Uncertain Significance. Variants that disrupt the consensus splice site are a relatively common cause of aberrant splicing (PMID: 17576681, 9536098). Algorithms developed to predict the effect of sequence changes on RNA splicing suggest that this variant may disrupt the consensus splice site. ClinVar contains an entry for this variant (Variation ID: 848445). This variant has not been reported in the literature in individuals affected with DOCK8-related conditions.

Literature cited by the submitters: PubMed 17576681; PubMed 9536098.

NM_203447.4(DOCK8):c.2110-5_2110-2del

Gene: DOCK8 (dedicator of cytokinesis 8; plus strand). Cytogenetic location: 9p24.3.
Variant type: Deletion.
Coding change: c.2110-5_2110-2del on transcript NM_203447.4 (MANE Select); 5 bases into the intron before coding-DNA position 2110 through the canonical splice acceptor site of the intron before coding-DNA position 2110, 4 bases deleted (CACA; older notation c.2110-5_2110-2delCACA).
Molecular consequence: splice acceptor variant.
Genome position (GRCh38, 1-based): chr9:376,205-376,208, CACA deleted; deleting any 4 consecutive bases within chr9:376,204-376,208 gives the same sequence; the c. name uses the placement nearest the transcript's 3' end. VCF-style (leftmost placement, unchanged base first): chr9-376203-AACAC-A. GRCh37 (hg19) VCF-style: chr9-376203-AACAC-A.
Other names: c.1906-5_1906-2del (NM_001193536.2, NM_001190458.2).
Identifiers: ClinVar variation 848445 (VCV000848445.8), dbSNP rs2053509580, ClinGen allele CA916080404.